The following is an entry in ClinVar:

ClinVar aggregate classification (germline): Benign/Likely benign. Review status: criteria provided, multiple submitters, no conflicts (2 of 4 stars). 3 submissions from 3 submitters: Benign (1); Likely benign (1). 1 of the submissions does not count toward it. Last evaluated 2025-07-08.

Conditions:
Melnick-Needles syndrome (MNS). Also called: Melnick-Needles Syndrome (FLNA-MNS); MELNICK-NEEDLES OSTEODYSPLASTY; OSTEODYSPLASTY OF MELNICK AND NEEDLES. Identifiers: Orphanet 2484, MedGen C0025237, MONDO:0010650, OMIM 309350.
Frontometaphyseal dysplasia (FMD1). Identifiers: Orphanet 1826, MedGen C0265293, MONDO:0015942.
Heterotopia, periventricular, X-linked dominant (PVNH1). Also called: PERIVENTRICULAR NODULAR HETEROTOPIA 1; X-linked periventricular heterotopia; PERIVENTRICULAR NODULAR HETEROTOPIA 4; HETEROTOPIA, PERIVENTRICULAR, 1. Identifiers: Orphanet 2149, Orphanet 82004, MedGen C1848213, MONDO:0010233, OMIM 300049.
Oto-palato-digital syndrome, type II (OPD2). Also called: Otopalatodigital Syndrome Type 2 (FLNA-OPD2); Otopalatodigital Syndrome, Type II; FACIOPALATOOSSEOUS SYNDROME; OPD II SYNDROME. Identifiers: Orphanet 669, Orphanet 90652, MedGen C1844696, MONDO:0010571, OMIM 304120.
FLNA-related disorder.

Allele frequency attached by ClinVar (database versions not stated): gnomAD exomes 0.00002 and 0.00009; TOPMed 0.00002; gnomAD 0.00003; ExAC 0.00007.
gnomAD v4.1: 27 of 1,209,668 alleles (0.0022%); highest among the groups gnomAD compares: East Asian, 0.08%; no homozygotes.

Submissions (3):

Labcorp Genetics (formerly Invitae), Labcorp
Classification: Benign for Oto-palato-digital syndrome, type II; Heterotopia, periventricular, X-linked dominant; Frontometaphyseal dysplasia; Melnick-Needles syndrome. Last evaluated: 2025-07-08. Review status: criteria provided, single submitter. Criteria: Invitae Variant Classification Sherloc (09022015). Collection method: clinical testing. Allele origin: germline.

GeneDx
Classification: Likely benign. Last evaluated: 2020-03-13. Review status: criteria provided, single submitter. Criteria: GeneDx Variant Classification Process June 2021. Collection method: clinical testing. Allele origin: germline. Affected: yes.
Comment: See Variant Classification Assertion Criteria.

PreventionGenetics, part of Exact Sciences
Classification: Likely benign for FLNA-related condition. Last evaluated: 2024-05-29. Review status: no assertion criteria provided. Collection method: clinical testing. Allele origin: germline. Not counted in ClinVar's aggregate classification.
Comment: This variant is classified as likely benign based on ACMG/AMP sequence variant interpretation guidelines (Richards et al. 2015 PMID: 25741868, with internal and published modifications).

NM_001110556.2(FLNA):c.4579G>A (p.Asp1527Asn)

Gene: FLNA (filamin A; minus strand). Cytogenetic location: Xq28.
Variant type: single nucleotide variant.
Coding change: c.4579G>A on transcript NM_001110556.2 (MANE Select); coding-DNA position 4579, G replaced by A.
Protein change: p.Asp1527Asn; replaces aspartic acid 1527 with asparagine.
Molecular consequence: missense variant.
Genome position (GRCh38, 1-based): chrX:154,358,464, C>T on the plus strand (G>A on the coding strand, the complement: FLNA is on the minus strand). VCF-style: chrX-154358464-C-T. GRCh37 (hg19) VCF-style: chrX-153586832-C-T.
Other names: c.4579G>A (NM_001110556.1); c.4579G>A, p.Asp1527Asn (NM_001456.4); short protein forms D1527N.
Identifiers: ClinVar variation 1612806 (VCV001612806.11), dbSNP rs782537273, ClinGen allele CA10560506.